The following is an entry in ClinVar:

ClinVar aggregate classification (germline): Uncertain significance. Review status: criteria provided, multiple submitters, no conflicts (2 of 4 stars). 3 submissions from 3 submitters: Uncertain significance (3). Last evaluated 2025-03-26.

Conditions:
Hereditary cancer-predisposing syndrome. Also called: Hereditary neoplastic syndrome; Tumor predisposition; Neoplastic Syndromes, Hereditary; Hereditary Cancer Syndrome. Identifiers: Orphanet 140162, MedGen C0027672, MeSH D009386, MONDO:0015356.
Basal cell carcinoma, susceptibility to, 1. Also called: BCC1. Identifiers: MedGen C2751544, MONDO:0011556, OMIM 605462.
Gorlin syndrome. Also called: Nevoid Basal Cell Carcinoma Syndrome; Basal cell nevus syndrome. Identifiers: Orphanet 377, MedGen C0004779, MONDO:0007187.

Submissions (3):

Ambry Genetics
Classification: Uncertain significance for Hereditary cancer-predisposing syndrome. Last evaluated: 2025-03-26. Review status: criteria provided, single submitter. Criteria: Ambry Variant Classification Scheme 2023. Collection method: clinical testing. Allele origin: germline.
Comment: The p.V1269M variant (also known as c.3805G>A) is located in coding exon 23 of the PTCH1 gene. The valine at codon 1269 is replaced by methionine, an amino acid with highly similar properties. This change occurs in the first base pair of coding exon 23. This amino acid position is conserved. In addition, the in silico prediction for this alteration is inconclusive. Based on the available evidence, the clinical significance of this variant remains unclear.

Baylor Genetics
Classification: Uncertain significance for Basal cell carcinoma, susceptibility to, 1. Last evaluated: 2023-10-02. Review status: criteria provided, single submitter. Criteria: ACMG Guidelines, 2015. Collection method: clinical testing. Allele origin: unknown.

Labcorp Genetics (formerly Invitae), Labcorp
Classification: Uncertain significance for Gorlin syndrome. Last evaluated: 2021-04-12. Review status: criteria provided, single submitter. Criteria: Invitae Variant Classification Sherloc (09022015). Collection method: clinical testing. Allele origin: germline.
Comment: In summary, the available evidence is currently insufficient to determine the role of this variant in disease. Therefore, it has been classified as a Variant of Uncertain Significance. Algorithms developed to predict the effect of missense changes on protein structure and function (SIFT, PolyPhen-2, Align-GVGD) all suggest that this variant is likely to be tolerated, but these predictions have not been confirmed by published functional studies and their clinical significance is uncertain. This variant has not been reported in the literature in individuals with PTCH1-related conditions. This variant is not present in population databases (ExAC no frequency). This sequence change replaces valine with methionine at codon 1269 of the PTCH1 protein (p.Val1269Met). The valine residue is weakly conserved and there is a small physicochemical difference between valine and methionine.

NM_000264.5(PTCH1):c.3805G>A (p.Val1269Met)

Gene: PTCH1 (patched 1; minus strand). Cytogenetic location: 9q22.32.
Variant type: single nucleotide variant.
Coding change: c.3805G>A on transcript NM_000264.5 (MANE Select); coding-DNA position 3805, G replaced by A.
Protein change: p.Val1269Met; replaces valine 1269 with methionine.
Molecular consequence: missense variant. On other transcripts: non-coding transcript variant (1).
Genome position (GRCh38, 1-based): chr9:95,447,451, C>T on the plus strand (G>A on the coding strand, the complement: PTCH1 is on the minus strand). VCF-style: chr9-95447451-C-T. GRCh37 (hg19) VCF-style: chr9-98209733-C-T.
Other names: c.3607G>A, p.Val1203Met (NM_001083602.3); c.3802G>A, p.Val1268Met (NM_001083603.3); c.3352G>A, p.Val1118Met (NM_001083604.3, NM_001083605.3, NM_001083606.3 and 1 more transcripts); c.3805G>A (NM_000264.3); c.3649G>A, p.Val1217Met (NM_001354918.2); short protein forms V1203M, V1118M, V1217M, V1268M, V1269M.
Identifiers: ClinVar variation 1479067 (VCV001479067.10), dbSNP rs1838059096, ClinGen allele CA374110888.
Genomic context (GRCh38, chr9:95,447,451, plus strand): 5'-CCAGGTGGGGCTGCTGTCTCGGGTTCGAGGGTGGGTGATGCCTGGATTCGGGATGGACCA[C>T]CTGCAGAGGGTGAGGGTGGGTTAGAAGGGTGGTATCCCAGGCTGGGCATGGTCCCCGCAG-3'
Protein context (NP_000255.2, residues 1259-1279): TENPVFAHST[Val1269Met]VHPESRHHPP